The following is an entry in ClinVar:

NM_020975.6(RET):c.2285-18C>T

Gene: RET (ret proto-oncogene; plus strand). Cytogenetic location: 10q11.21.
Variant type: single nucleotide variant.
Coding change: c.2285-18C>T on transcript NM_020975.6 (MANE Select); 18 bases into the intron before coding-DNA position 2285, C replaced by T.
Molecular consequence: intron variant.
Genome position (GRCh38, 1-based): chr10:43,118,355, C>T. VCF-style: chr10-43118355-C-T. GRCh37 (hg19) VCF-style: chr10-43613803-C-T.
Other names: c.2285-18C>T (NM_020630.7, NM_001406743.1, NM_001406744.1 and 2 more transcripts); c.2150-18C>T (NM_001406765.1, NM_001406763.1); c.1889-18C>T (NM_001406772.1, NM_001406769.1); c.1847-18C>T (NM_001406773.1, NM_001406771.1); c.1388-18C>T (NM_001406782.1, NM_001406780.1, NM_001406779.1 and 1 more transcripts); c.1253-18C>T (NM_001406787.1); c.1268-18C>T (NM_001406785.1); c.2156-18C>T (NM_001406764.1, NM_001406762.1, NM_001406761.1); and 10 more.
Identifiers: ClinVar variation 3904675 (VCV003904675.2).
Genomic context (GRCh38, chr10:43,118,355, plus strand): 5'-GTCCATCCTGACCTGGTATGGTCATGGAAGGGGCTTCCAGGAGCGATCGTTTGCAACCTG[C>T]TCTGTGCTGCATTTCAGAGAACGCCTCCCCGAGTGAGCTGCGAGACCTGCTGTCAGAGTT-3'

ClinVar aggregate classification (germline): Likely benign. Review status: criteria provided, multiple submitters, no conflicts (2 of 4 stars). 2 submissions from 2 submitters: Likely benign (2). Last evaluated 2025-03-27.

Conditions:
Multiple endocrine neoplasia, type 2 (MEN2). Identifiers: Orphanet 653, MedGen C4048306, MONDO:0019003. Disease mechanism: gain of function.
Multiple endocrine neoplasia type 2A. Also called: Multiple Endocrine Neoplasia Type 2A (MEN2A); MULTIPLE ENDOCRINE NEOPLASIA, TYPE IIA; PTC SYNDROME; SIPPLE SYNDROME; MEN 2A; MEN-2A syndrome. Identifiers: Orphanet 247698, Orphanet 653, MedGen C0025268, MeSH D018813, MONDO:0008234, OMIM 171400.

gnomAD v4.1: 1 of 1,601,656 alleles (0.000062%); highest among the groups gnomAD compares: South Asian, 0.0011%; no homozygotes.

Submissions (2):

Labcorp Genetics (formerly Invitae), Labcorp
Classification: Likely benign for Multiple endocrine neoplasia, type 2. Last evaluated: 2025-03-27. Review status: criteria provided, single submitter. Criteria: Invitae Variant Classification Sherloc (09022015). Collection method: clinical testing. Allele origin: germline.

Myriad Genetics, Inc.
Classification: Likely benign for Multiple endocrine neoplasia type 2A. Last evaluated: 2025-02-26. Review status: criteria provided, single submitter. Criteria: Myriad Autosomal Dominant, Autosomal Recessive and X-Linked Classification Criteria (2023). Collection method: clinical testing. Allele origin: unknown.
Comment: This variant is considered likely benign. This variant is intronic and is not expected to impact mRNA splicing.